The following is an entry in ClinVar:

ClinVar aggregate classification (germline): Likely benign (0 of 4 stars; one submission).

Conditions:
OMG-related disorder. Also called: OMG-related condition.

Allele frequency attached by ClinVar (database versions not stated): ExAC 0.00001; gnomAD exomes 0.00001; gnomAD 0.00003; TOPMed 0.00006.
gnomAD v4.1: 15 of 1,614,060 alleles (0.00093%); highest among the groups gnomAD compares: African/African-American, 0.011%; no homozygotes.

Submission:

PreventionGenetics, part of Exact Sciences
Classification: Likely benign for OMG-related condition. Last evaluated: 2020-03-27. Review status: no assertion criteria provided. Collection method: clinical testing. Allele origin: germline.
Comment: This variant is classified as likely benign based on ACMG/AMP sequence variant interpretation guidelines (Richards et al. 2015 PMID: 25741868, with internal and published modifications).

NM_002544.5(OMG):c.1251T>G (p.Ser417=)

Genes: NF1 (neurofibromin 1; plus strand), OMG (oligodendrocyte myelin glycoprotein; minus strand). Cytogenetic location: 17q11.2.
Variant type: single nucleotide variant.
Coding change: c.1251T>G on transcript NM_002544.5 (MANE Select); coding-DNA position 1251, T replaced by G.
Protein change: p.Ser417=; no amino-acid change (serine 417 retained).
Molecular consequence: synonymous variant. On other transcripts: intron variant (2).
Genome position (GRCh38, 1-based): chr17:31,295,081, A>C on the plus strand (T>G on the coding strand, the complement: OMG is on the minus strand). VCF-style: chr17-31295081-A-C. GRCh37 (hg19) VCF-style: chr17-29622099-A-C.
Other names: c.4835+29742A>C (NM_001042492.3); c.4772+29742A>C (NM_000267.4).
Identifiers: ClinVar variation 3054841 (VCV003054841.2), dbSNP rs747451047, ClinGen allele CA8486498.